The following is an entry in ClinVar:

NM_014233.4(UBTF):c.62G>T (p.Arg21Leu)

Genes: ATXN7L3-AS1 (ATXN7L3 antisense RNA 1; plus strand), UBTF (upstream binding transcription factor; minus strand). Cytogenetic location: 17q21.31.
Variant type: single nucleotide variant.
Coding change: c.62G>T on transcript NM_014233.4 (MANE Select); coding-DNA position 62, G replaced by T.
Protein change: p.Arg21Leu; replaces arginine 21 with leucine.
Molecular consequence: missense variant. On other transcripts: non-coding transcript variant (1).
Genome position (GRCh38, 1-based): chr17:44,216,701, C>A on the plus strand (G>T on the coding strand, the complement: UBTF is on the minus strand). VCF-style: chr17-44216701-C-A. GRCh37 (hg19) VCF-style: chr17-42294069-C-A.
Other names: c.62G>T, p.Arg21Leu (NM_001076683.2, NM_001076684.3); short protein forms R21L.
Identifiers: ClinVar variation 3339900 (VCV003339900.1).

ClinVar aggregate classification (germline): Uncertain significance (1 of 4 stars; one submission).

gnomAD v4.1: 7 of 1,614,050 alleles (0.00043%); highest among the groups gnomAD compares: Non-Finnish European, 0.00051%; no homozygotes.

Submission:

Women's Health and Genetics/Laboratory Corporation of America, LabCorp
Classification: Uncertain significance. Last evaluated: 2024-06-21. Review status: criteria provided, single submitter. Criteria: LabCorp Variant Classification Summary - May 2015. Collection method: clinical testing. Allele origin: germline.
Comment: Variant summary: UBTF c.62G>T (p.Arg21Leu) results in a non-conservative amino acid change in the encoded protein sequence. Three of five in-silico tools predict a benign effect of the variant on protein function. The variant was absent in 251416 control chromosomes. The available data on variant occurrences in the general population are insufficient to allow any conclusion about variant significance. To our knowledge, no occurrence of c.62G>T in individuals affected with Childhood-Onset Motor And Cognitive Regression Syndrome With Extrapyramidal Movement Disorder and no experimental evidence demonstrating its impact on protein function have been reported. No submitters have cited clinical-significance assessments for this variant to ClinVar. Based on the evidence outlined above, the variant was classified as uncertain significance.